The following is an entry in ClinVar:

NM_015570.4(AUTS2):c.96_119del (p.Ala34_Gly41del)

Genes: AUTS2 (activator of transcription and developmental regulator AUTS2; plus strand), LOC129998550 (ATAC-STARR-seq lymphoblastoid silent region 18224; plus strand). Cytogenetic location: 7q11.22.
Variant type: Deletion.
Coding change: c.96_119del on transcript NM_015570.4 (MANE Select); coding-DNA positions 96 to 119, 24 bases deleted (CGGCGCGGCCGGCGGCGGCGGGGC).
Protein change: p.Ala34_Gly41del.
Molecular consequence: inframe deletion.
Genome position (GRCh38, 1-based): chr7:69,599,749-69,599,772, CGGCGCGGCCGGCGGCGGCGGGGC deleted; deleting any 24 consecutive bases within chr7:69,599,744-69,599,772 gives the same sequence; the c. name uses the placement nearest the transcript's 3' end. VCF-style (leftmost placement, unchanged base first): chr7-69599743-GGGGGCCGGCGCGGCCGGCGGCGGC-G. GRCh37 (hg19) VCF-style: chr7-69064729-GGGGGCCGGCGCGGCCGGCGGCGGC-G.
Other names: c.96_119del, p.Ala34_Gly41del (NM_001127231.3, NM_001127232.3).
Identifiers: ClinVar variation 2412924 (VCV002412924.5), dbSNP rs2484023721, ClinGen allele CA2578901894.

ClinVar aggregate classification (germline): Uncertain significance (1 of 4 stars; one submission).

Submission:

GeneDx
Classification: Uncertain significance. Last evaluated: 2025-06-22. Review status: criteria provided, single submitter. Criteria: GeneDx Variant Classification Process June 2021. Collection method: clinical testing. Allele origin: germline.
Comment: Not observed at significant frequency in large population cohorts (gnomAD); In-frame deletion of 8 amino acids in a non-repeat region; In silico analysis suggests that this variant does not alter protein structure/function; Has not been previously published as pathogenic or benign to our knowledge